The following is an entry in ClinVar:

NM_002878.4(RAD51D):c.963dup (p.Thr322fs)

Genes: RAD51L3-RFFL (RAD51L3-RFFL readthrough; minus strand), RAD51D (RAD51 paralog D; minus strand). Cytogenetic location: 17q12.
Variant type: Duplication.
Coding change: c.963dup on transcript NM_002878.4 (MANE Select); coding-DNA position 963, one base duplicated (C; older notation c.963dupC).
Protein change: p.Thr322fs; shifts the reading frame from threonine 322.
Molecular consequence: frameshift variant. On other transcripts: non-coding transcript variant (2).
Genome position (GRCh38, 1-based): chr17:35,100,977, G duplicated on the plus strand (C on the coding strand, the reverse complement: RAD51D is on the minus strand); the first of 2 consecutive G bases (chr17:35,100,977-35,100,978); duplicating either gives the same sequence. VCF-style (leftmost placement, unchanged base first): chr17-35100976-T-TG. GRCh37 (hg19) VCF-style: chr17-33427995-T-TG.
Other names: c.963dupC (NM_002878.3); c.1023dup, p.Thr342fs (NM_001142571.2); c.627dup, p.Thr210fs (NM_133629.3); short protein forms T322fs, T210fs, T342fs.
Identifiers: ClinVar variation 490150 (VCV000490150.5), dbSNP rs1555566948, ClinGen allele CA658684026.
Genomic context (GRCh38, chr17:35,100,976, plus strand): 5'-CCCCAATGCTTCCCTGTTTCCCAAACAACAGCACAGGTCATGTCTGATCACCCTGTAATG[T>TG]GGCACTCTGCTCTGAGGTCCCCCAGGTCCCAATGTCTACCATCTCCTGGAAACCTGTTGG-3'

ClinVar aggregate classification (germline): Uncertain significance (1 of 4 stars; one submission).

Conditions:
Hereditary cancer-predisposing syndrome. Also called: Hereditary Cancer Syndrome; Neoplastic Syndromes, Hereditary; Tumor predisposition; Hereditary neoplastic syndrome. Identifiers: Orphanet 140162, MedGen C0027672, MeSH D009386, MONDO:0015356.

Submission:

Color Diagnostics, LLC DBA Color Health
Classification: Uncertain significance for Hereditary cancer-predisposing syndrome. Last evaluated: 2020-03-28. Review status: criteria provided, single submitter. Criteria: ACMG Guidelines, 2015. Collection method: clinical testing. Allele origin: germline.
Comment: This variant inserts 1 nucleotide in exon 10 of the RAD51D gene, creating a frameshift and premature translation stop signal in the last exon. The mutant transcript is expected to escape nonsense-mediated decay and be expressed as a truncated protein. This variant alters the amino acid residues Thr322 through Thr328 of the RAD51D protein that encode the C-terminus of the ATPase domain (PMID: 14704354, 19327148, 21111057) and RAD51C interaction domain (PMID: 10749867, 14704354, 19327148). To our knowledge, functional studies have not been reported for this variant nor has this variant been reported in individuals affected with hereditary cancer in the literature. This variant has not been identified in the general population by the Genome Aggregation Database (gnomAD). Loss of RAD51D function is a known mechanism of disease. The available evidence is insufficient to determine the role of this variant in disease conclusively. Therefore, this variant is classified as a Variant of Uncertain Significance.